The following is an entry in ClinVar:

NM_001044385.3(TMEM237):c.1135A>T (p.Arg379Trp)

Gene: TMEM237 (transmembrane protein 237; minus strand). Cytogenetic location: 2q33.1.
Variant type: single nucleotide variant.
Coding change: c.1135A>T on transcript NM_001044385.3 (MANE Select); coding-DNA position 1135, A replaced by T.
Protein change: p.Arg379Trp; replaces arginine 379 with tryptophan.
Molecular consequence: missense variant.
Genome position (GRCh38, 1-based): chr2:201,626,050, T>A on the plus strand (A>T on the coding strand, the complement: TMEM237 is on the minus strand). VCF-style: chr2-201626050-T-A. GRCh37 (hg19) VCF-style: chr2-202490773-T-A.
Other names: c.1111A>T, p.Arg371Trp (NM_152388.4); short protein forms R379W, R371W.
Identifiers: ClinVar variation 1366091 (VCV001366091.8), dbSNP rs747158935, ClinGen allele CA2056296.

ClinVar aggregate classification (germline): Uncertain significance (1 of 4 stars; one submission).

Conditions:
Joubert syndrome 14 (JBTS14). Identifiers: MedGen C3280766, MONDO:0013745, OMIM 614424.

Allele frequency attached by ClinVar (database versions not stated): gnomAD exomes 0.00001; ExAC 0.00007.
gnomAD v4.1: 5 of 1,595,758 alleles (0.00031%); highest among the groups gnomAD compares: South Asian, 0.0057%; no homozygotes.

Submission:

Labcorp Genetics (formerly Invitae), Labcorp
Classification: Uncertain significance for Joubert syndrome 14. Last evaluated: 2022-03-10. Review status: criteria provided, single submitter. Criteria: Invitae Variant Classification Sherloc (09022015). Collection method: clinical testing. Allele origin: germline.
Comment: This sequence change replaces arginine, which is basic and polar, with tryptophan, which is neutral and slightly polar, at codon 379 of the TMEM237 protein (p.Arg379Trp). This variant is present in population databases (rs747158935, gnomAD 0.01%). This variant has not been reported in the literature in individuals affected with TMEM237-related conditions. Algorithms developed to predict the effect of missense changes on protein structure and function (SIFT, PolyPhen-2, Align-GVGD) all suggest that this variant is likely to be disruptive. Algorithms developed to predict the effect of sequence changes on RNA splicing suggest that this variant may create or strengthen a splice site. In summary, the available evidence is currently insufficient to determine the role of this variant in disease. Therefore, it has been classified as a Variant of Uncertain Significance.